The following is an entry in ClinVar:

ClinVar aggregate classification (germline): Benign (1 of 4 stars; one submission).

Conditions:
Breast-ovarian cancer, familial, susceptibility to, 3. Also called: RAD51C-Related Breast/Ovarian Cancer. Identifiers: Orphanet 145, MedGen C3150659, MONDO:0013253, OMIM 613399.

Submission:

Myriad Genetics, Inc.
Classification: Benign for Breast-ovarian cancer, familial, susceptibility to, 3. Last evaluated: 2025-02-19. Review status: criteria provided, single submitter. Criteria: Myriad Autosomal Dominant, Autosomal Recessive and X-Linked Classification Criteria (2023). Collection method: clinical testing. Allele origin: unknown.
Comment: This variant is considered benign. This variant occurs in the non-coding 3' untranslated region of the gene, and is not expected to impact protein function.

NM_058216.3(RAD51C):c.*2C>T

Gene: RAD51C (RAD51 paralog C; plus strand). Cytogenetic location: 17q22.
Variant type: single nucleotide variant.
Coding change: c.*2C>T on transcript NM_058216.3 (MANE Select); 2 bases downstream of the stop codon, C replaced by T.
Molecular consequence: 3 prime UTR variant. On other transcripts: non-coding transcript variant (1).
Genome position (GRCh38, 1-based): chr17:58,734,224, C>T. VCF-style: chr17-58734224-C-T. GRCh37 (hg19) VCF-style: chr17-56811585-C-T.
Identifiers: ClinVar variation 3904461 (VCV003904461.1).